The following is an entry in ClinVar:

ClinVar aggregate classification (germline): Likely benign (1 of 4 stars; one submission).

Allele frequency attached by ClinVar (database versions not stated): gnomAD exomes below 0.00001.
gnomAD v4.1: 1 of 1,589,154 alleles (0.000063%); highest among the groups gnomAD compares: East Asian, 0.0023%; no homozygotes.

Submission:

CeGaT Center for Human Genetics Tuebingen
Classification: Likely benign. Last evaluated: 2026-05-01. Review status: criteria provided, single submitter. Criteria: CeGaT Center For Human Genetics Tuebingen Variant Classification Criteria Version 2. Collection method: clinical testing. Allele origin: germline. Affected: yes. Observed: 2 variant alleles.
Comment: DMBT1: BP4, BP7

NM_001377530.1(DMBT1):c.1587T>C (p.Asn529=)

Gene: DMBT1 (deleted in malignant brain tumors 1; plus strand). Cytogenetic location: 10q26.13.
Variant type: single nucleotide variant.
Coding change: c.1587T>C on transcript NM_001377530.1 (MANE Select); coding-DNA position 1587, T replaced by C.
Protein change: p.Asn529=; no amino-acid change (asparagine 529 retained).
Molecular consequence: synonymous variant. On other transcripts: intron variant (1).
Genome position (GRCh38, 1-based): chr10:122,586,187, T>C. VCF-style: chr10-122586187-T-C. GRCh37 (hg19) VCF-style: chr10-124345703-T-C.
Other names: c.1587T>C, p.Asn529= (NM_001320644.2, NM_007329.3); c.1557T>C, p.Asn519= (NM_017579.3); c.1420+1836T>C (NM_004406.3).
Identifiers: ClinVar variation 2640917 (VCV002640917.24), dbSNP rs1591305232, ClinGen allele CA471746034.